The following is an entry in ClinVar:

NM_016592.5(GNAS):c.309C>T (p.Tyr103=)

Genes: GNAS (GNAS complex locus; plus strand), GNAS-AS1 (GNAS antisense RNA 1; minus strand). Cytogenetic location: 20q13.32.
Variant type: single nucleotide variant.
Coding change: c.309C>T on transcript NM_016592.5 (MANE Plus Clinical); coding-DNA position 309, C replaced by T.
Protein change: p.Tyr103=; no amino-acid change (tyrosine 103 retained).
Molecular consequence: synonymous variant. On other transcripts: 5 prime UTR variant (1).
Genome position (GRCh38, 1-based): chr20:58,840,415, C>T. VCF-style: chr20-58840415-C-T. GRCh37 (hg19) VCF-style: chr20-57415470-C-T.
Other names: c.-429C>T (NM_001410912.1).
Identifiers: ClinVar variation 3038893 (VCV003038893.2), dbSNP rs373276011, ClinGen allele CA9926292.

ClinVar aggregate classification (germline): Likely benign (0 of 4 stars; one submission).

Conditions:
GNAS-related disorder. Identifiers: MedGen CN380105.

Allele frequency attached by ClinVar (database versions not stated): ESP Exome Variant Server 0.00015; gnomAD 0.00017; TOPMed 0.00018.
gnomAD v4.1: 53 of 1,613,524 alleles (0.0033%); highest among the groups gnomAD compares: African/African-American, 0.057%; no homozygotes.

Submission:

PreventionGenetics, part of Exact Sciences
Classification: Likely benign for GNAS-related condition. Last evaluated: 2020-03-16. Review status: no assertion criteria provided. Collection method: clinical testing. Allele origin: germline.
Comment: This variant is classified as likely benign based on ACMG/AMP sequence variant interpretation guidelines (Richards et al. 2015 PMID: 25741868, with internal and published modifications).